The following is an entry in ClinVar:

ClinVar aggregate classification (germline): Conflicting classifications of pathogenicity. Review status: criteria provided, conflicting classifications (1 of 4 stars). 3 submissions from 3 submitters: Uncertain significance (2); Likely benign (1). Last evaluated 2024-06-17.

Conditions:
GLUT1 deficiency syndrome 1, autosomal recessive. Identifiers: MedGen C3149117.

Allele frequency attached by ClinVar (database versions not stated): gnomAD exomes below 0.00001 and 0.00001; ExAC 0.00001.
gnomAD v4.1: 5 of 1,614,108 alleles (0.00031%); highest among the groups gnomAD compares: Non-Finnish European, 0.00042%; no homozygotes.

Submissions (3):

Labcorp Genetics (formerly Invitae), Labcorp
Classification: Uncertain significance for GLUT1 deficiency syndrome 1, autosomal recessive. Last evaluated: 2024-06-17. Review status: criteria provided, single submitter. Criteria: Invitae Variant Classification Sherloc (09022015). Collection method: clinical testing. Allele origin: germline.
Comment: This sequence change replaces methionine, which is neutral and non-polar, with valine, which is neutral and non-polar, at codon 77 of the SLC2A1 protein (p.Met77Val). This variant is present in population databases (rs776583130, gnomAD no frequency). This variant has not been reported in the literature in individuals affected with SLC2A1-related conditions. ClinVar contains an entry for this variant (Variation ID: 212204). Advanced modeling performed at Invitae incorporating data from internal and/or published experimental studies (Invitae) indicates that this missense variant is not expected to disrupt SLC2A1 function with a negative predictive value of 80%. In summary, the available evidence is currently insufficient to determine the role of this variant in disease. Therefore, it has been classified as a Variant of Uncertain Significance.

Revvity Omics, Revvity
Classification: Uncertain significance. Last evaluated: 2023-08-15. Review status: criteria provided, single submitter. Criteria: ACMG Guidelines, 2015. Collection method: clinical testing. Allele origin: germline.

Genetic Services Laboratory, University of Chicago
Classification: Likely benign. Last evaluated: 2015-12-21. Review status: criteria provided, single submitter. Criteria: ACMG Guidelines, 2015. Collection method: clinical testing. Allele origin: germline. Affected: no.

NM_006516.4(SLC2A1):c.229A>G (p.Met77Val)

Gene: SLC2A1 (solute carrier family 2 member 1; minus strand). Cytogenetic location: 1p34.2.
Variant type: single nucleotide variant.
Coding change: c.229A>G on transcript NM_006516.4 (MANE Select); coding-DNA position 229, A replaced by G.
Protein change: p.Met77Val; replaces methionine 77 with valine.
Molecular consequence: missense variant.
Genome position (GRCh38, 1-based): chr1:42,931,092, T>C on the plus strand (A>G on the coding strand, the complement: SLC2A1 is on the minus strand). VCF-style: chr1-42931092-T-C. GRCh37 (hg19) VCF-style: chr1-43396763-T-C.
Other names: c.229A>G (NM_006516.3); short protein forms M77V.
Identifiers: ClinVar variation 212204 (VCV000212204.10), dbSNP rs776583130, ClinGen allele CA205940.
Genomic context (GRCh38, chr1:42,931,092, plus strand): 5'-CCTCTCCTACTTACCGGCCAAAGCGGTTAACGAAAAGGCCCACAGAGAAGGAGCCAATCA[T>C]GCCCCCAACAGAAAAGATGGCCACTGAGAGGGACCAGAGCGTGGTGAGCGTGGTGGGCAG-3'
Protein context (NP_006507.2, residues 67-87): LSVAIFSVGG[Met77Val]IGSFSVGLFV